The following is an entry in ClinVar:

NM_001127198.5(TMC6):c.1816G>C (p.Gly606Arg)

Gene: TMC6 (transmembrane channel like 6; minus strand). Cytogenetic location: 17q25.3.
Variant type: single nucleotide variant.
Coding change: c.1816G>C on transcript NM_001127198.5 (MANE Select); coding-DNA position 1816, G replaced by C.
Protein change: p.Gly606Arg; replaces glycine 606 with arginine.
Molecular consequence: missense variant. On other transcripts: non-coding transcript variant (4).
Genome position (GRCh38, 1-based): chr17:78,119,042, C>G on the plus strand (G>C on the coding strand, the complement: TMC6 is on the minus strand). VCF-style: chr17-78119042-C-G. GRCh37 (hg19) VCF-style: chr17-76115123-C-G.
Other names: c.1816G>C, p.Gly606Arg (NM_001321185.1, NM_001374596.1, NM_001375353.1 and 2 more transcripts); c.1636G>C, p.Gly546Arg (NM_001374593.1, NM_001374594.1); short protein forms G606R, G546R.
Identifiers: ClinVar variation 1513847 (VCV001513847.6), dbSNP rs1326018151, ClinGen allele CA401226377.

ClinVar aggregate classification (germline): Uncertain significance (1 of 4 stars; one submission).

Conditions:
Epidermodysplasia verruciformis. Identifiers: Orphanet 302, MedGen C0014522, MONDO:0009176.

Allele frequency attached by ClinVar (database versions not stated): gnomAD exomes below 0.00001; gnomAD 0.00001; TOPMed 0.00001.
gnomAD v4.1: 3 of 1,588,982 alleles (0.00019%); highest among the groups gnomAD compares: African/African-American, 0.0027%; no homozygotes.

Submission:

Labcorp Genetics (formerly Invitae), Labcorp
Classification: Uncertain significance for Epidermodysplasia verruciformis. Last evaluated: 2022-09-06. Review status: criteria provided, single submitter. Criteria: Invitae Variant Classification Sherloc (09022015). Collection method: clinical testing. Allele origin: germline.
Comment: This sequence change replaces glycine with arginine at codon 606 of the TMC6 protein (p.Gly606Arg). The glycine residue is highly conserved and there is a moderate physicochemical difference between glycine and arginine. In summary, the available evidence is currently insufficient to determine the role of this variant in disease. Therefore, it has been classified as a Variant of Uncertain Significance. Algorithms developed to predict the effect of missense changes on protein structure and function are either unavailable or do not agree on the potential impact of this missense change (SIFT: "Not Available"; PolyPhen-2: "Probably Damaging"; Align-GVGD: "Not Available"). ClinVar contains an entry for this variant (Variation ID: 1513847). This variant has not been reported in the literature in individuals affected with TMC6-related conditions. This variant is present in population databases (no rsID available, gnomAD 0.01%).